The following is an entry in ClinVar:

ClinVar aggregate classification (germline): Uncertain significance (1 of 4 stars; one submission).

Submission:

Labcorp Genetics (formerly Invitae), Labcorp
Classification: Uncertain significance. Last evaluated: 2024-12-15. Review status: criteria provided, single submitter. Criteria: Invitae Variant Classification Sherloc (09022015). Collection method: clinical testing. Allele origin: germline.
Comment: This sequence change falls in intron 5 of the CACNA2D4 gene. It does not directly change the encoded amino acid sequence of the CACNA2D4 protein. This variant is not present in population databases (gnomAD no frequency). This variant has not been reported in the literature in individuals affected with CACNA2D4-related conditions. Algorithms developed to predict the effect of sequence changes on RNA splicing suggest that this variant may disrupt the consensus splice site. In summary, the available evidence is currently insufficient to determine the role of this variant in disease. Therefore, it has been classified as a Variant of Uncertain Significance.

NM_172364.5(CACNA2D4):c.650-7C>G

Gene: CACNA2D4 (calcium voltage-gated channel auxiliary subunit alpha2delta 4; minus strand). Cytogenetic location: 12p13.33.
Variant type: single nucleotide variant.
Coding change: c.650-7C>G on transcript NM_172364.5 (MANE Select); 7 bases into the intron before coding-DNA position 650, C replaced by G.
Molecular consequence: intron variant.
Genome position (GRCh38, 1-based): chr12:1,907,578, G>C on the plus strand (C>G on the coding strand, the complement: CACNA2D4 is on the minus strand). VCF-style: chr12-1907578-G-C. GRCh37 (hg19) VCF-style: chr12-2016744-G-C.
Identifiers: ClinVar variation 3622235 (VCV003622235.2).